The following is an entry in ClinVar:

NM_138694.4(PKHD1):c.10174C>T (p.Gln3392Ter)

Gene: PKHD1 (PKHD1 ciliary IPT domain containing fibrocystin/polyductin; minus strand). Cytogenetic location: 6p12.3.
Variant type: single nucleotide variant.
Coding change: c.10174C>T on transcript NM_138694.4 (MANE Select); coding-DNA position 10174, C replaced by T.
Protein change: p.Gln3392Ter; replaces glutamine 3392 with a stop codon.
Molecular consequence: nonsense.
Genome position (GRCh38, 1-based): chr6:51,659,952, G>A on the plus strand (C>T on the coding strand, the complement: PKHD1 is on the minus strand). VCF-style: chr6-51659952-G-A. GRCh37 (hg19) VCF-style: chr6-51524750-G-A.
Other names: short protein forms Q3392*.
Identifiers: ClinVar variation 488579 (VCV000488579.63), dbSNP rs201082169, ClinGen allele CA3851135.
Genomic context (GRCh38, chr6:51,659,952, plus strand): 5'-CCACTTGGTCAGTCTGTTTGCAGATGAATCCTTGCATCAGAAATTGGTATGTACATTTCT[G>A]TTCTTCTCTAAATGTACCTATAAAAGAAAAGAAGCAAAACAAGTGATATATGAATTATAA-3'

ClinVar aggregate classification (germline): Pathogenic/Likely pathogenic. Review status: criteria provided, multiple submitters, no conflicts (2 of 4 stars). 18 submissions from 17 submitters: Pathogenic (17); Likely pathogenic (1). Last evaluated 2026-02-25.

Conditions:
PKHD1-related disorder. Also called: PKHD1-related condition.
Cholestasis. Identifiers: MedGen C0008370, MONDO:0001751, HP:0001396.
Polycystic kidney disease 4 (PKD4). Also called: POLYCYSTIC KIDNEY AND HEPATIC DISEASE 1; POLYCYSTIC KIDNEY DISEASE, INFANTILE, TYPE I; POLYCYSTIC KIDNEY DISEASE 4 WITH OR WITHOUT POLYCYSTIC LIVER DISEASE; PKD3; Autosomal Recessive Polycystic Kidney Disease – PKHD1. Identifiers: MedGen C4540575, MONDO:0033004, OMIM 263200.
Autosomal recessive polycystic kidney disease (ARPKD). Also called: AR polycystic kidney disease. Identifiers: Orphanet 731, Orphanet 8378, MedGen C0085548, MeSH D017044, MONDO:0009889.
Biliary tract abnormality. Identifiers: MedGen C0549613, MONDO:0004868, HP:0001080.

Allele frequency attached by ClinVar (database versions not stated): gnomAD 0.00002; TOPMed 0.00003.
gnomAD v4.1: 42 of 1,603,486 alleles (0.0026%); highest among the groups gnomAD compares: Non-Finnish European, 0.0035%; no homozygotes.

Submissions (18):

Dasa
Classification: Pathogenic. Last evaluated: 2026-02-25. Review status: criteria provided, single submitter. Criteria: DASA Assertion Criteria. Collection method: clinical testing. Allele origin: germline.
Comment: NM_138694.4(PKHD1):c.10174C>T (p.Gln3392*) introduces a premature termination codon predicted to result in loss of normal protein function. Loss-of-function is an established mechanism of disease for this gene. Segregation evidence has been reported in affected families. This variant has been observed in affected individuals with related phenotype in a genotype context consistent with recessive disease (PMID: 15108281; PMID: 16523049; PMID: 29956005). This variant has been recurrently observed in individuals with related phenotype (PMID: 15108281; PMID: 16523049; PMID: 29956005). The variant is present at low frequency in population datasets. Based on the available data, this variant is classified as pathogenic.

Natera, Inc.
Classification: Pathogenic for Autosomal recessive polycystic kidney disease. Last evaluated: 2025-11-20. Review status: criteria provided, single submitter. Criteria: Natera Variant Classification Schema (03/2026). Collection method: clinical testing. Allele origin: germline.
Comment: The c.10174C>T variant in PKHD1 is a nonsense variant predicted to introduce a stop codon at amino acid 3392. This variant is expected to result in nonsense mediated decay, truncation, or a dysfunctional protein product. This variant is rare in the general population with a frequency below the threshold expected for the associated phenotype(s). This variant has been observed in one or more individuals affected with the associated recessive disease, as either homozygous or compound heterozygous with a second variant (PMID: 15108281). Given the available evidence, this variant is classified as Pathogenic.

3billion
Classification: Pathogenic for Polycystic kidney disease 4. Last evaluated: 2025-11-09. Review status: criteria provided, single submitter. Criteria: ACMG Guidelines, 2015. Collection method: clinical testing. Allele origin: germline. Affected: yes.
Comment: The variant is observed at an extremely low frequency in the gnomAD v4.1.0 dataset (total allele frequency: 0.003%). Predicted Consequence/Location: Stop-gained (nonsense): predicted to result in a loss or disruption of normal protein function through nonsense-mediated decay (NMD) or protein truncation. Multiple pathogenic variants are reported downstream of the variant. The variant has been reported at least twice as pathogenic with clinical assertions and evidence for the classification (ClinVar ID: VCV000488579 /PMID: 11919560). Therefore, this variant is classified as Pathogenic according to the recommendation of ACMG/AMP guideline.

PreventionGenetics, part of Exact Sciences
Classification: Pathogenic for PKHD1-related condition. Last evaluated: 2025-08-04. Review status: criteria provided, single submitter. Criteria: ACMG Guidelines, 2015. Collection method: clinical testing. Allele origin: germline.
Comment: The PKHD1 c.10174C>T variant is predicted to result in premature protein termination (p.Gln3392*). This variant has been reported multiple unrelated individuals with autosomal recessive polycystic kidney disease (Ward et al. 2002. PubMed ID: 11919560; Losekoot et al. 2005. PubMed ID: 16133180; Shuster et al. 2019. PubMed ID: 30650191). This variant is reported in 0.0036% of alleles in individuals of European (Non-Finnish) descent in gnomAD. Nonsense variants in PKHD1 are expected to be pathogenic. This variant is interpreted as pathogenic.

Labcorp Genetics (formerly Invitae), Labcorp
Classification: Pathogenic for Autosomal recessive polycystic kidney disease. Last evaluated: 2025-07-03. Review status: criteria provided, single submitter. Criteria: Invitae Variant Classification Sherloc (09022015). Collection method: clinical testing. Allele origin: germline.
Comment: This sequence change creates a premature translational stop signal (p.Gln3392*) in the PKHD1 gene. It is expected to result in an absent or disrupted protein product. Loss-of-function variants in PKHD1 are known to be pathogenic (PMID: 19940839). This variant is present in population databases (rs201082169, gnomAD 0.004%). This premature translational stop signal has been observed in individuals with autosomal recessive polycystic kidney disease (PMID: 11919560, 16133180, 23582048, 26673778). ClinVar contains an entry for this variant (Variation ID: 488579). For these reasons, this variant has been classified as Pathogenic.

Immunogenetics and Transplant Biology Service, University Hospital "Città della Salute e della Scienza di Torino"
Classification: Pathogenic for Polycystic kidney disease 4. Last evaluated: 2025-06-28. Review status: criteria provided, single submitter. Criteria: ACMG Guidelines, 2015. Collection method: clinical testing. Allele origin: germline. Affected: yes.

Institute Of Liver Studies, NHS South East Genomic Laboratory Hub
Classification: Pathogenic for Cholestasis. Last evaluated: 2025-04-15. Review status: criteria provided, single submitter. Criteria: ACGS Best Practice Guidelines for Variant Classification in Rare Disease 2020. Collection method: clinical testing. Allele origin: germline. Affected: yes.

Fulgent Genetics
Classification: Pathogenic for Polycystic kidney disease 4. Last evaluated: 2024-04-23. Review status: criteria provided, single submitter. Criteria: ACMG Guidelines, 2015. Collection method: clinical testing. Allele origin: germline.

Baylor Genetics
Classification: Pathogenic for Polycystic kidney disease 4. Last evaluated: 2024-03-11. Review status: criteria provided, single submitter. Criteria: ACMG Guidelines, 2015. Collection method: clinical testing. Allele origin: unknown.

CeGaT Center for Human Genetics Tuebingen
Classification: Pathogenic. Last evaluated: 2024-01-01. Review status: criteria provided, single submitter. Criteria: CeGaT Center For Human Genetics Tuebingen Variant Classification Criteria Version 2. Collection method: clinical testing. Allele origin: germline. Affected: yes. Observed: 1 variant allele.
Comment: PKHD1: PVS1, PM3:Strong, PM2

GeneDx
Classification: Pathogenic. Last evaluated: 2022-08-19. Review status: criteria provided, single submitter. Criteria: GeneDx Variant Classification Process June 2021. Collection method: clinical testing. Allele origin: germline. Affected: yes.
Comment: Nonsense variant predicted to result in protein truncation or nonsense mediated decay in a gene for which loss-of-function is a known mechanism of disease; Not observed at significant frequency in large population cohorts (gnomAD); This variant is associated with the following publications: (PMID: 11919560, 16523049, 25525159, 12925574, 26673778, 23582048, 14741187, 12506140, 15108277, 15698423, 16133180, 29956005, 30650191, 31589614, 33437033, 32359821, 25701400)

Blueprint Genetics
Classification: Pathogenic for PKHD1-related disorders. Last evaluated: 2022-03-01. Review status: criteria provided, single submitter. Criteria: ACMG Guidelines, 2015. Collection method: clinical testing. Allele origin: germline. Affected: yes. Observed: 5 variant alleles.

Women's Health and Genetics/Laboratory Corporation of America, LabCorp
Classification: Pathogenic for Autosomal recessive polycystic kidney disease. Last evaluated: 2022-02-22. Review status: criteria provided, single submitter. Criteria: LabCorp Variant Classification Summary - May 2015. Collection method: clinical testing. Allele origin: germline.
Comment: Variant summary: PKHD1 c.10174C>T (p.Gln3392X) results in a premature termination codon, predicted to cause a truncation of the encoded protein or absence of the protein due to nonsense mediated decay, which are commonly known mechanisms for disease. Truncations downstream of this position have been classified as pathogenic by our laboratory. The variant allele was found at a frequency of 1.6e-05 in 248566 control chromosomes (gnomAD). c.10174C>T has been reported in the literature in multiple compound heterozygous and homozygous individuals affected with Polycystic Kidney And Hepatic Disease (e.g. Ward_2002, Bergmann_2004). These data indicate that the variant is very likely to be associated with disease. Five ClinVar submitters (evaluation after 2014) cite the variant as pathogenic. Based on the evidence outlined above, the variant was classified as pathogenic.

Victorian Clinical Genetics Services, Murdoch Childrens Research Institute
Classification: Pathogenic for Polycystic kidney disease 4. Last evaluated: 2020-10-19. Review status: criteria provided, single submitter. Criteria: ACMG Guidelines, 2015. Collection method: clinical testing. Allele origin: germline. Inheritance: Autosomal recessive inheritance.
Comment: Based on the classification scheme VCGS_Germline_v1.3.3, this variant is classified as 5-Pathogenic. Following criteria are met: 0102 - Loss of function is a known mechanism of disease in this gene and is associated with Polycystic kidney disease 4, with or without hepatic disease (MIM#263200). (I) 0106 - This gene is associated with autosomal recessive disease. (I) 0201 - Variant is predicted to cause nonsense-mediated decay (NMD) and loss of protein (premature termination codon is located at least 54 nucleotides upstream of the final exon-exon junction). (SP) 0251 - This variant is heterozygous. (I) 0304 - Variant is present in gnomAD <0.01 for a recessive condition (v2: 4 heterozygotes, 0 homozygotes). (SP) 0701 - Other NMD-predicted variants comparable to the one identified in this case have very strong previous evidence for pathogenicity. (Decipher; PMIDs: 15108281, 16133180). (SP) 0801 - This variant has very strong previous evidence of pathogenicity in unrelated individuals. This variant has been reported in multiple individuals diagnosed with autosomal recessive polycystic kidney disease, either in homozygous or compound heterozygous form (ClinVar; PMIDs: 15108281, 16133180, 16523049, 29956005). (SP) 1208 - Inheritance information for this variant is not currently available in this individual. (I) Legend: (SP) - Supporting pathogenic, (I) - Information, (SB) - Supporting benign

Cambridge Genomics Laboratory, East Genomic Laboratory Hub, NHS Genomic Medicine Service
Classification: Likely pathogenic for Biliary tract abnormality. Last evaluated: 2020-05-11. Review status: criteria provided, single submitter. Criteria: ACGS Best Practice Guidelines for Variant Classification in Rare Disease 2020. Collection method: clinical testing. Allele origin: germline. Affected: yes. Observed: 1 variant allele.

Molecular Genetics of Inherited Kidney Disorders Laboratory, Garvan Institute of Medical Research
Classification: Pathogenic. Last evaluated: 2019-01-01. Review status: criteria provided, single submitter. Criteria: ACMG Guidelines, 2015. Collection method: clinical testing. Allele origin: germline. Affected: yes. Observed: 2 variant alleles.

Institute of Human Genetics Munich, TUM University Hospital
Classification: Pathogenic for Polycystic kidney disease 4. Last evaluated: 2017-11-23. Review status: criteria provided, single submitter. Criteria: Classification criteria August 2017. Collection method: clinical testing. Allele origin: germline. Inheritance: Autosomal recessive inheritance. Affected: yes. Observed: 1 heterozygote.

Baylor Genetics
Classification: Pathogenic for Polycystic kidney disease 4. Review status: criteria provided, single submitter. Criteria: ACMG Guidelines, 2015. Collection method: clinical testing. Allele origin: germline.

Literature cited by the submitters: PubMed 15108281 (cited by 4 submitters); PubMed 16523049 (cited by Dasa and Victorian Clinical Genetics Services, Murdoch Childrens Research Institute); PubMed 29956005 (cited by Dasa and Victorian Clinical Genetics Services, Murdoch Childrens Research Institute); PubMed 11919560 (cited by 3 submitters); PubMed 19940839 (cited by Labcorp Genetics (formerly Invitae), Labcorp); PubMed 16133180 (cited by Labcorp Genetics (formerly Invitae), Labcorp and Victorian Clinical Genetics Services, Murdoch Childrens Research Institute); PubMed 23582048 (cited by Labcorp Genetics (formerly Invitae), Labcorp); PubMed 26673778 (cited by Labcorp Genetics (formerly Invitae), Labcorp).